The following is an entry in ClinVar:

ClinVar aggregate classification (germline): Conflicting classifications of pathogenicity. Review status: criteria provided, conflicting classifications (1 of 4 stars). 2 submissions from 2 submitters: Uncertain significance (1); Likely benign (1). Last evaluated 2026-01-18.

Conditions:
Hereditary cancer-predisposing syndrome. Also called: Tumor predisposition; Hereditary neoplastic syndrome; Hereditary Cancer Syndrome; Neoplastic Syndromes, Hereditary. Identifiers: Orphanet 140162, MedGen C0027672, MeSH D009386, MONDO:0015356.
Gastrointestinal stromal tumor. Also called: Gastrointestinal stroma tumor; Gastrointestinal stromal tumor, somatic. Identifiers: Orphanet 44890, MedGen C0238198, MeSH D046152, MONDO:0011719, OMIM 606764, HP:0100723.

Allele frequency attached by ClinVar (database versions not stated): gnomAD exomes below 0.00001; ExAC 0.00001.
gnomAD v4.1: 5 of 1,582,424 alleles (0.00032%); highest among the groups gnomAD compares: East Asian, 0.0067%; no homozygotes.

Submissions (2):

Labcorp Genetics (formerly Invitae), Labcorp
Classification: Uncertain significance for Gastrointestinal stromal tumor. Last evaluated: 2026-01-18. Review status: criteria provided, single submitter. Criteria: Invitae Variant Classification Sherloc (09022015). Collection method: clinical testing. Allele origin: germline.
Comment: This sequence change replaces aspartic acid, which is acidic and polar, with asparagine, which is neutral and polar, at codon 327 of the KIT protein (p.Asp327Asn). This variant is present in population databases (rs752061752, gnomAD 0.006%). This variant has not been reported in the literature in individuals affected with KIT-related conditions. ClinVar contains an entry for this variant (Variation ID: 528577). An algorithm developed to predict the effect of missense changes on protein structure and function outputs the following: PolyPhen-2: "Benign". The asparagine amino acid residue is found in multiple mammalian species, which suggests that this missense change does not adversely affect protein function. In summary, the available evidence is currently insufficient to determine the role of this variant in disease. Therefore, it has been classified as a Variant of Uncertain Significance.

Ambry Genetics
Classification: Likely benign for Hereditary cancer-predisposing syndrome. Last evaluated: 2025-07-14. Review status: criteria provided, single submitter. Criteria: Ambry Variant Classification Scheme 2023. Collection method: clinical testing. Allele origin: germline.

NM_000222.3(KIT):c.979G>A (p.Asp327Asn)

Gene: KIT (KIT proto-oncogene, receptor tyrosine kinase; plus strand). Cytogenetic location: 4q12.
Variant type: single nucleotide variant.
Coding change: c.979G>A on transcript NM_000222.3 (MANE Select); coding-DNA position 979, G replaced by A.
Protein change: p.Asp327Asn; replaces aspartic acid 327 with asparagine.
Molecular consequence: missense variant.
Genome position (GRCh38, 1-based): chr4:54,707,151, G>A. VCF-style: chr4-54707151-G-A. GRCh37 (hg19) VCF-style: chr4-55573317-G-A.
Other names: c.979G>A, p.Asp327Asn (NM_001093772.2, NM_001385285.1, NM_001385286.1); c.982G>A, p.Asp328Asn (NM_001385284.1, NM_001385288.1, NM_001385290.1 and 1 more transcripts); short protein forms D327N, D328N.
Identifiers: ClinVar variation 528577 (VCV000528577.11), dbSNP rs752061752, ClinGen allele CA2923355.